The following is an entry in ClinVar:

NM_002485.5(NBN):c.584G>A (p.Ser195Asn)

Gene: NBN (nibrin; minus strand). Cytogenetic location: 8q21.3.
Variant type: single nucleotide variant.
Coding change: c.584G>A on transcript NM_002485.5 (MANE Select); coding-DNA position 584, G replaced by A.
Protein change: p.Ser195Asn; replaces serine 195 with asparagine.
Molecular consequence: missense variant.
Genome position (GRCh38, 1-based): chr8:89,978,220, C>T on the plus strand (G>A on the coding strand, the complement: NBN is on the minus strand). VCF-style: chr8-89978220-C-T. GRCh37 (hg19) VCF-style: chr8-90990448-C-T.
Other names: c.338G>A, p.Ser113Asn (NM_001024688.3); short protein forms S113N, S195N.
Identifiers: ClinVar variation 1012201 (VCV001012201.13), dbSNP rs1811862674, ClinGen allele CA371660064.

ClinVar aggregate classification (germline): Conflicting classifications of pathogenicity. Review status: criteria provided, conflicting classifications (1 of 4 stars). 5 submissions from 5 submitters: Likely pathogenic (1); Uncertain significance (4). Last evaluated 2026-10-01.

Conditions:
Breast-ovarian cancer, familial, susceptibility to, 1 (BROVCA1). Also called: BRCA1 Hereditary Breast and Ovarian Cancer; OVARIAN CANCER, SUSCEPTIBILITY TO. Identifiers: Orphanet 145, MedGen C2676676, MONDO:0011450, OMIM 604370. Disease mechanism: loss of function.
Microcephaly, normal intelligence and immunodeficiency (NBS). Also called: Nijmegen breakage syndrome; Microcephaly with normal intelligence immunodeficiency and lymphoreticular malignancies; Nonsyndromal microcephaly autosomal recessive with normal intelligence; Seemanova syndrome 2; Immunodeficiency, microcephaly with normal intelligence; SEEMANOVA SYNDROME II. Identifiers: Orphanet 647, MedGen C0398791, MONDO:0009623, OMIM 251260.

Submissions (5):

St. Jude Molecular Pathology, St. Jude Children's Research Hospital
Classification: Uncertain significance for Microcephaly, normal intelligence and immunodeficiency. Last evaluated: 2026-10-01. Review status: criteria provided, single submitter. Criteria: St. Jude Assertion Criteria 2020. Collection method: clinical testing. Allele origin: germline.
Comment: The NBN c.584G>A p.(Ser195Asn) missense change is absent in gnomAD v2.1.1. The in silico tool REVEL predicts a benign effect on protein function. A lgorithms that predict the impact of sequence changes on splicing indicate that this change may impact splicing. RNA studies suggest that this variant results in skipping of exon 5 and is predicted to result in an out of frame transcript (PMID: 34439939) . To our knowledge, this variant has not been reported in individuals with Nijmegen breakage syndrome. In summary, the evidence currently available is insufficient to determine the clinical significance of this variant. It has therefore been classified as of uncertain significance.

Labcorp Genetics (formerly Invitae), Labcorp
Classification: Uncertain significance for Microcephaly, normal intelligence and immunodeficiency. Last evaluated: 2025-06-12. Review status: criteria provided, single submitter. Criteria: Invitae Variant Classification Sherloc (09022015). Collection method: clinical testing. Allele origin: germline.
Comment: This sequence change replaces serine, which is neutral and polar, with asparagine, which is neutral and polar, at codon 195 of the NBN protein (p.Ser195Asn). RNA analysis indicates that this missense change induces altered splicing and may result in an absent or altered protein product. This variant is not present in population databases (gnomAD no frequency). This variant has not been reported in the literature in individuals affected with NBN-related conditions. ClinVar contains an entry for this variant (Variation ID: 1012201). An algorithm developed to predict the effect of missense changes on protein structure and function (PolyPhen-2) suggests that this variant is likely to be tolerated. Variants that disrupt the consensus splice site are a relatively common cause of aberrant splicing (PMID: 17576681, 9536098). Studies have shown that this missense change results in skipping of exon 5, and produces a non-functional protein and/or introduces a premature termination codon (PMID: 34439939). In summary, the available evidence is currently insufficient to determine the role of this variant in disease. Therefore, it has been classified as a Variant of Uncertain Significance.

Quest Diagnostics Nichols Institute San Juan Capistrano
Classification: Uncertain significance. Last evaluated: 2023-06-16. Review status: criteria provided, single submitter. Criteria: Quest Diagnostics criteria. Collection method: clinical testing. Allele origin: unknown.
Comment: In the published literature, this variant has been reported to disrupt mRNA splicing by inducing out-of-frame exon 5 skipping (PMID: 34439939 (2021)). This variant has not been reported in large, multi-ethnic general populations (Genome Aggregation Database). Analysis of this variant using bioinformatics tools for the prediction of the effect of amino acid changes on protein structure and function yielded predictions that this variant is damaging. Based on the available information, we are unable to determine the clinical significance of this variant.

Genome-Nilou Lab
Classification: Uncertain significance for Microcephaly, normal intelligence and immunodeficiency. Last evaluated: 2021-11-07. Review status: criteria provided, single submitter. Criteria: ACMG Guidelines, 2015. Collection method: clinical testing. Allele origin: germline. Affected: no.

Department of Molecular Diagnostics, Institute of Oncology Ljubljana
Classification: Likely pathogenic for Breast-ovarian cancer, familial, susceptibility to, 1. Last evaluated: 2020-04-02. Review status: criteria provided, single submitter. Criteria: ACMG Guidelines, 2015. Collection method: clinical testing. Allele origin: germline. Affected: yes.
Comment: NBN:c.584G>A variant absent from large population studies (GnomAd). It is predicted to abolish natural donor splice site of exon 5 by in silico splicing tools. Functional RNA study has shown that the variant causes significant splicing aberration - exon 5 skipping (PMID: 34439939). Therefore the variant was classified as likely pathogenic (ACMG/AMP: PS3, PM2, PP3).

Literature cited by the submitters: PubMed 17576681 (cited by Labcorp Genetics (formerly Invitae), Labcorp); PubMed 9536098 (cited by Labcorp Genetics (formerly Invitae), Labcorp); PubMed 34439939 (cited by Labcorp Genetics (formerly Invitae), Labcorp and Quest Diagnostics Nichols Institute San Juan Capistrano); DOI 10.3390/biology10080706 (cited by Department of Molecular Diagnostics, Institute of Oncology Ljubljana).